The following is an entry in ClinVar:

NM_001267550.2(TTN):c.23215C>T (p.Arg7739Ter)

Gene: TTN (titin; minus strand). Cytogenetic location: 2q31.2.
Variant type: single nucleotide variant.
Coding change: c.23215C>T on transcript NM_001267550.2 (MANE Select); coding-DNA position 23215, C replaced by T.
Protein change: p.Arg7739Ter; replaces arginine 7739 with a stop codon.
Molecular consequence: nonsense. On other transcripts: intron variant (3).
Genome position (GRCh38, 1-based): chr2:178,720,547, G>A on the plus strand (C>T on the coding strand, the complement: TTN is on the minus strand). VCF-style: chr2-178720547-G-A. GRCh37 (hg19) VCF-style: chr2-179585274-G-A.
Other names: p.R7422*:CGA>TGA; c.22264C>T, p.Arg7422Ter (NM_001256850.1); c.19483C>T, p.Arg6495Ter (NM_133378.4); c.13282+17535C>T (NM_003319.4); c.13858+17535C>T (NM_133437.4); c.13657+17535C>T (NM_133432.3); short protein forms R7422*, R7739*, R6495*.
Identifiers: ClinVar variation 202434 (VCV000202434.14), dbSNP rs372250586, ClinGen allele CA309391.

ClinVar aggregate classification (germline): Conflicting classifications of pathogenicity. Review status: criteria provided, conflicting classifications (1 of 4 stars). 3 submissions from 3 submitters: Likely pathogenic (1); Uncertain significance (2). Last evaluated 2024-11-04.

Conditions:
Dilated cardiomyopathy 1G (CMD1G). Identifiers: Orphanet 154, MedGen C1858763, MONDO:0011400, OMIM 604145.
Autosomal recessive limb-girdle muscular dystrophy type 2J (LGMDR10). Also called: MUSCULAR DYSTROPHY, LIMB-GIRDLE, AUTOSOMAL RECESSIVE 10; Limb-girdle muscular dystrophy, type 2J. Identifiers: Orphanet 140922, MedGen C1837342, MONDO:0012127, OMIM 608807.

Allele frequency attached by ClinVar (database versions not stated): gnomAD 0.00001.
gnomAD v4.1: 4 of 1,613,230 alleles (0.00025%); highest among the groups gnomAD compares: East Asian, 0.0022%; no homozygotes.

Submissions (3):

Labcorp Genetics (formerly Invitae), Labcorp
Classification: Likely pathogenic for Dilated cardiomyopathy 1G; Autosomal recessive limb-girdle muscular dystrophy type 2J. Last evaluated: 2024-11-04. Review status: criteria provided, single submitter. Criteria: Invitae Variant Classification Sherloc (09022015). Collection method: clinical testing. Allele origin: germline.
Comment: This sequence change creates a premature translational stop signal (p.Arg7739*) in the TTN gene. While this is not anticipated to result in nonsense mediated decay, it is expected to create a truncated TTN protein. This variant is not present in population databases (gnomAD no frequency). This variant has not been reported in the literature in individuals affected with TTN-related conditions. ClinVar contains an entry for this variant (Variation ID: 202434). Algorithms developed to predict the effect of sequence changes on RNA splicing suggest that this variant may disrupt the consensus splice site. This variant is located in the I band of TTN (PMID: 25589632). Truncating variants in this region have been reported in individuals affected with autosomal recessive centronuclear myopathy (PMID: 23975875, internal data). Truncating variants in this region have also been identified in individuals affected with autosomal dominant dilated cardiomyopathy and/or cardio-related conditions (PMID: 27869827, 32964742, internal data). In summary, the currently available evidence indicates that the variant is pathogenic, but additional data are needed to prove that conclusively. Therefore, this variant has been classified as Likely Pathogenic.

Revvity Omics, Revvity
Classification: Uncertain significance. Last evaluated: 2021-06-02. Review status: criteria provided, single submitter. Criteria: ACMG Guidelines, 2015. Collection method: clinical testing. Allele origin: germline.

GeneDx
Classification: Uncertain significance. Last evaluated: 2015-08-06. Review status: criteria provided, single submitter. Criteria: GeneDx Variant Classification (06012015). Collection method: clinical testing. Allele origin: germline. Affected: yes.
Comment: p.Arg7422Stop (CGA>TGA): c.22264 C>T in exon 78 of the TTN gene (NM_001256850.1). The Arg7422Stop variant in the TTN gene has not been reported previously as a disease-causing mutation or as a benign polymorphism to our knowledge. Arg7422Stop was not observed in approximately 6000 individuals of European and African American ancestry in the NHLBI Exome Sequencing Project, indicating it is not a common benign variant in these populations. Arg7422Stop is predicted to cause loss of normal protein function either due to production of an abnormal, prematurely truncated protein, or by absence of protein product due to nonsense mediated mRNA decay. However, truncating TTN variants have been reported in approximately 3% of control alleles (Herman D et al., 2012) and Arg7422Stop is not located in the A-band region of titin, where the majority of truncating mutations associated with DCM have been reported (Herman D et al., 2012). With the clinical and molecular information available at this time, we cannot definitively determine if Arg7422Stop is a disease-causing mutation or a rare benign variant. The variant is found in DCM panel(s).

Literature cited by the submitters: PubMed 25589632 (cited by Labcorp Genetics (formerly Invitae), Labcorp); PubMed 23975875 (cited by Labcorp Genetics (formerly Invitae), Labcorp); PubMed 27869827 (cited by Labcorp Genetics (formerly Invitae), Labcorp); PubMed 32964742 (cited by Labcorp Genetics (formerly Invitae), Labcorp).